The following is an entry in ClinVar:

ClinVar aggregate classification (germline): Pathogenic. Review status: criteria provided, multiple submitters, no conflicts (2 of 4 stars). 10 submissions from 8 submitters: Pathogenic (4). 6 of the submissions do not count toward it. Last evaluated 2025-02-14.

Conditions:
Epidermolysis bullosa simplex. Also called: Epidermolysis bullosa simplex, Weber-Cockayne type (subtype); Epidermolysis bullosa simplex, Dowling-Meara type (subtype); Epidermolysis bullosa simplex with mottled pigmentation (subtype). Identifiers: Orphanet 304, MedGen C0079298, MONDO:0017610.
Epidermolysis bullosa simplex with mottled pigmentation (EBS2F). Also called: EPIDERMOLYSIS BULLOSA SIMPLEX 2F, WITH MOTTLED PIGMENTATION; SPECKLED HYPERPIGMENTATION WITH PUNCTATE PALMOPLANTAR KERATOSES AND CHILDHOOD BLISTERING. Identifiers: Orphanet 79397, MedGen C0432316, MONDO:0007556, OMIM 131960.
Epidermolysis bullosa simplex with migratory circinate erythema. Also called: Epidermolysis bullosa simplex 2E, with migratory circinate erythema. Identifiers: Orphanet 158681, MedGen C1836284, MONDO:0012258, OMIM 609352.
KRT5-related disorder. Also called: KRT5-related condition.

Submissions (10):

Labcorp Genetics (formerly Invitae), Labcorp
Classification: Pathogenic. Last evaluated: 2025-02-14. Review status: criteria provided, single submitter. Criteria: Invitae Variant Classification Sherloc (09022015). Collection method: clinical testing. Allele origin: germline.
Comment: This sequence change results in a frameshift in the KRT5 gene (p.Gly550Alafs*77). While this is not anticipated to result in nonsense mediated decay, it is expected to disrupt the last 41 amino acid(s) of the KRT5 protein and extend the protein by 35 additional amino acid residues. This variant is not present in population databases (gnomAD no frequency). This frameshift has been observed in individual(s) with autosomal dominant epidermolysis bullosa simplex (PMID: 12925204, 15324323, 24104543). In at least one individual the variant was observed to be de novo. It has also been observed to segregate with disease in related individuals. ClinVar contains an entry for this variant (Variation ID: 14655). Algorithms developed to predict the effect of variants on gene product structure and function are not available or were not evaluated for this variant. Experimental studies have shown that this frameshift affects KRT5 function (PMID: 15647384). For these reasons, this variant has been classified as Pathogenic.

Blueprint Genetics
Classification: Pathogenic for KRT5-related disorders. Last evaluated: 2022-08-29. Review status: criteria provided, single submitter. Criteria: ACMG Guidelines, 2015. Collection method: clinical testing. Allele origin: germline. Affected: yes. Observed: 2 variant alleles.

GeneDx
Classification: Pathogenic. Last evaluated: 2020-08-24. Review status: criteria provided, single submitter. Criteria: GeneDx Variant Classification Process June 2021. Collection method: clinical testing. Allele origin: germline. Affected: yes.
Comment: Frameshift variant predicted to result in protein extension, replacing the last 41 amino acids with an elongated segment of 76 amino acids with different characteristics; Published functional studies demonstrates a damaging effect as in vitro expressed mutant K5 forms much shorter polymers with K14 than wildtype K5 with viscoelastic properties too weak to be reliably measured (Gu et al., 2005); In contrast to the typical hot spot mutations in KRT5 that affect the central rod domain, this variant is predicted to extend the tail domain of keratin 5 and completely alter its composition and physico-chemical properties; the extended tail region has been proposed to interfere with functional interactions between this keratin and its associated proteins (Gu et al., 2005); Not observed in large population cohorts (Lek et al., 2016); This variant is associated with the following publications: (PMID: 20199538, 20055872, 27730678, 24104543, 23993914, 23889190, 15647384, 15982306, 28830826, 15324323, 12925204, 21375516, 32484238, 33274474)

Biomedical Innovation Departament, CIEMAT
Classification: Pathogenic for Simplex epidermolysis bullosa. Last evaluated: 2009-01-06. Review status: criteria provided, single submitter. Criteria: ACMG Guidelines, 2015. Collection method: research. Allele origin: germline. Affected: yes. Observed: 1 variant allele.

PreventionGenetics, part of Exact Sciences
Classification: Pathogenic for KRT5-related condition. Last evaluated: 2024-02-15. Review status: no assertion criteria provided. Collection method: clinical testing. Allele origin: germline. Not counted in ClinVar's aggregate classification.
Comment: The KRT5 c.1649delG variant is predicted to result in a frameshift and premature protein termination (p.Gly550Alafs*77). This variant is predicted to result in a frameshift and elongation of the protein beyond the normal stop codon (p.Gly550Alafs*77). This variant has been reported as a recurrent finding in individuals with epidermolysis bullosa simplex (see for example, Nagao-Watanabe et al. 2004. PubMed ID: 15324323; Kumagai et al. 2017. PubMed ID: 27730678; Table S1, Chen et al. 2020. PubMed ID: 32484238). It has been documented as a de novo variant, as well as inherited from a mosaic parent. This variant has not been reported in a large population database, indicating this variant is rare. Frameshift variants in KRT5 are expected to be pathogenic. This variant is interpreted as pathogenic.

OMIM
Classification: Pathogenic for EPIDERMOLYSIS BULLOSA SIMPLEX 2E, WITH MIGRATORY CIRCINATE ERYTHEMA. Last evaluated: 2004-09-01. Review status: no assertion criteria provided. Collection method: literature only. Allele origin: unknown. Not counted in ClinVar's aggregate classification.

OMIM
Classification: Pathogenic for EPIDERMOLYSIS BULLOSA SIMPLEX 2F, WITH MOTTLED PIGMENTATION. Last evaluated: 2004-09-01. Review status: no assertion criteria provided. Collection method: literature only. Allele origin: unknown. Not counted in ClinVar's aggregate classification.

Epithelial Biology;  Institute of Medical Biology, Singapore
No classification provided. Review status: no classification provided. Collection method: not provided. Allele origin: not provided. Not counted in ClinVar's aggregate classification.

GeneReviews
No classification provided. Condition: Epidermolysis bullosa simplex with migratory circinate erythema. Review status: no classification provided. Collection method: literature only. Allele origin: unknown. Not counted in ClinVar's aggregate classification.

Epithelial Biology;  Institute of Medical Biology, Singapore
No classification provided. Review status: flagged submission. Collection method: not provided. Allele origin: not provided. Not counted in ClinVar's aggregate classification.
ClinVar note: Reason: This record appears to be redundant with a more recent record from the same submitter.
ClinVar note: Notes: SCV000087690 appears to be redundant with SCV000087691.

Literature cited by the submitters: PubMed 12925204 (cited by 3 submitters); PubMed 15324323 (cited by 3 submitters); PubMed 24104543 (cited by Labcorp Genetics (formerly Invitae), Labcorp); PubMed 15647384 (cited by Labcorp Genetics (formerly Invitae), Labcorp); PubMed 9036937 (cited by Biomedical Innovation Departament, CIEMAT); PubMed 27730678 (cited by OMIM); PubMed 15982306 (cited by OMIM); PubMed 20055872 (cited by OMIM); PubMed 23889190 (cited by OMIM); PubMed 20301543 (cited by GeneReviews); NCBI Bookshelf NBK1369 (cited by GeneReviews).

NM_000424.4(KRT5):c.1649del (p.Gly550fs)

Gene: KRT5 (keratin 5; minus strand). Cytogenetic location: 12q13.13.
Variant type: Deletion.
Coding change: c.1649del on transcript NM_000424.4 (MANE Select); coding-DNA position 1649, one base deleted (G; older notation c.1649delG).
Protein change: p.Gly550fs; shifts the reading frame from glycine 550.
Molecular consequence: frameshift variant.
Genome position (GRCh38, 1-based): chr12:52,515,066, C deleted on the plus strand (G on the coding strand, the reverse complement: KRT5 is on the minus strand); the first of 6 consecutive C bases (chr12:52,515,066-52,515,071); deleting any one gives the same sequence. VCF-style (leftmost placement, unchanged base first): chr12-52515065-GC-G. GRCh37 (hg19) VCF-style: chr12-52908849-GC-G.
Other names: c.1649delG (NM_000424.4, NM_000424.3); short protein forms G550fs.
Identifiers: ClinVar variation 14655 (VCV000014655.18), dbSNP rs61126080, ClinGen allele CA216692.